The following is an entry in ClinVar:

ClinVar aggregate classification (germline): Uncertain significance (1 of 4 stars; one submission).

Allele frequency attached by ClinVar (database versions not stated): gnomAD 0.00001; TOPMed 0.00003.
gnomAD v4.1: 6 of 1,449,284 alleles (0.00041%); highest among the groups gnomAD compares: African/African-American, 0.0044%; no homozygotes.

Submission:

Labcorp Genetics (formerly Invitae), Labcorp
Classification: Uncertain significance. Last evaluated: 2022-07-27. Review status: criteria provided, single submitter. Criteria: Invitae Variant Classification Sherloc (09022015). Collection method: clinical testing. Allele origin: germline.
Comment: This variant is present in population databases (no rsID available, gnomAD 0.009%). This sequence change replaces arginine, which is basic and polar, with serine, which is neutral and polar, at codon 19 of the TRAF3IP1 protein (p.Arg19Ser). This variant has not been reported in the literature in individuals affected with TRAF3IP1-related conditions. In summary, the available evidence is currently insufficient to determine the role of this variant in disease. Therefore, it has been classified as a Variant of Uncertain Significance. Algorithms developed to predict the effect of missense changes on protein structure and function are either unavailable or do not agree on the potential impact of this missense change (SIFT: "Deleterious"; PolyPhen-2: "Benign"; Align-GVGD: "Class C35").

NM_015650.4(TRAF3IP1):c.57G>T (p.Arg19Ser)

Gene: TRAF3IP1 (TRAF3 interacting protein 1; plus strand). Cytogenetic location: 2q37.3.
Variant type: single nucleotide variant.
Coding change: c.57G>T on transcript NM_015650.4 (MANE Select); coding-DNA position 57, G replaced by T.
Protein change: p.Arg19Ser; replaces arginine 19 with serine.
Molecular consequence: missense variant.
Genome position (GRCh38, 1-based): chr2:238,320,719, G>T. VCF-style: chr2-238320719-G-T. GRCh37 (hg19) VCF-style: chr2-239229360-G-T.
Other names: c.57G>T, p.Arg19Ser (NM_001139490.1); short protein forms R19S.
Identifiers: ClinVar variation 1957022 (VCV001957022.3), dbSNP rs1442403482, ClinGen allele CA351239824.